The following is an entry in ClinVar:

NM_001382430.1(AKT1):c.440T>C (p.Met147Thr)

Gene: AKT1 (AKT serine/threonine kinase 1; minus strand). Cytogenetic location: 14q32.33.
Variant type: single nucleotide variant.
Coding change: c.440T>C on transcript NM_001382430.1 (MANE Select); coding-DNA position 440, T replaced by C.
Protein change: p.Met147Thr; replaces methionine 147 with threonine.
Molecular consequence: missense variant.
Genome position (GRCh38, 1-based): chr14:104,775,203, A>G on the plus strand (T>C on the coding strand, the complement: AKT1 is on the minus strand). VCF-style: chr14-104775203-A-G. GRCh37 (hg19) VCF-style: chr14-105241540-A-G.
Other names: c.440T>C, p.Met147Thr (NM_001014431.2, NM_001014432.2, NM_001382431.1 and 3 more transcripts); short protein forms M147T.
Identifiers: ClinVar variation 540892 (VCV000540892.13), dbSNP rs758456890, ClinGen allele CA7374773.

ClinVar aggregate classification (germline): Uncertain significance. Review status: criteria provided, multiple submitters, no conflicts (2 of 4 stars). 4 submissions from 4 submitters: Uncertain significance (4). Last evaluated 2024-04-16.

Conditions:
Inborn genetic diseases. Identifiers: MedGen C0950123, MeSH D030342.
Colorectal cancer. Also called: Colorectal cancer, somatic; Malignant Colorectal Neoplasm. Identifiers: MedGen C0346629, MONDO:0005575, OMIM 114500.
Cowden syndrome 6 (CWS6). Identifiers: Orphanet 201, MedGen C3554519, MONDO:0014048, OMIM 615109.
Familial cancer of breast. Also called: BREAST CANCER, FAMILIAL; hereditary breast carcinoma; Hereditary breast cancer. Identifiers: Orphanet 227535, MedGen C0346153, MONDO:0016419, OMIM 114480. Disease mechanism: loss of function.
Ovarian cancer. Also called: OVARIAN CANCER, SOMATIC. Identifiers: Orphanet 213500, MedGen C1140680, MONDO:0008170, OMIM 167000.
Proteus syndrome. Also called: Hemihypertrophy and macrocephaly; Partial gigantism of hands and feet, nevi, hemihypertrophy, macrocephaly; PROTEUS SYNDROME, SOMATIC; GIGANTISM, PARTIAL, OF HANDS AND FEET, NEVI, HEMIHYPERTROPHY, AND MACROCEPHALY; ELATTOPROTEUS SYNDROME; Macrocephaly mesodermal hamartoma spectrum. Identifiers: Orphanet 744, MedGen C0085261, MONDO:0008318, OMIM 176920. Disease mechanism: gain of function, loss of function.

Allele frequency attached by ClinVar (database versions not stated): gnomAD exomes 0.00001 and 0.00002; ExAC 0.00002; gnomAD 0.00003 and 0.00006; TOPMed 0.00008.

Submissions (4):

Fulgent Genetics
Classification: Uncertain significance for Familial cancer of breast; Colorectal cancer; Ovarian cancer; Proteus syndrome; Cowden syndrome 6. Last evaluated: 2024-04-16. Review status: criteria provided, single submitter. Criteria: ACMG Guidelines, 2015. Collection method: clinical testing. Allele origin: germline.

Ambry Genetics
Classification: Uncertain significance for Inborn genetic diseases. Last evaluated: 2023-08-01. Review status: criteria provided, single submitter. Criteria: Ambry Variant Classification Scheme 2023. Collection method: clinical testing. Allele origin: germline.
Comment: The p.M147T variant (also known as c.440T>C), located in coding exon 5 of the AKT1 gene, results from a T to C substitution at nucleotide position 440. The methionine at codon 147 is replaced by threonine, an amino acid with similar properties. This amino acid position is conserved. In addition, the in silico prediction for this alteration is inconclusive. Since supporting evidence is limited at this time, the clinical significance of this alteration remains unclear.

Labcorp Genetics (formerly Invitae), Labcorp
Classification: Uncertain significance for Cowden syndrome 6. Last evaluated: 2023-05-15. Review status: criteria provided, single submitter. Criteria: Invitae Variant Classification Sherloc (09022015). Collection method: clinical testing. Allele origin: germline.
Comment: In summary, the available evidence is currently insufficient to determine the role of this variant in disease. Therefore, it has been classified as a Variant of Uncertain Significance. An algorithm developed to predict the effect of missense changes on protein structure and function (PolyPhen-2) suggests that this variant is likely to be tolerated. ClinVar contains an entry for this variant (Variation ID: 540892). This variant has not been reported in the literature in individuals affected with AKT1-related conditions. This variant is present in population databases (rs758456890, gnomAD 0.02%). This sequence change replaces methionine, which is neutral and non-polar, with threonine, which is neutral and polar, at codon 147 of the AKT1 protein (p.Met147Thr).

Breakthrough Genomics
Classification: Uncertain significance. Review status: criteria provided, single submitter. Criteria: ACMG Guidelines, 2015. Collection method: not provided. Allele origin: germline. Inheritance: Autosomal dominant inheritance. Affected: yes.